The following is an entry in ClinVar:

ClinVar aggregate classification (germline): Uncertain significance (1 of 4 stars; one submission).

Allele frequency attached by ClinVar (database versions not stated): TOPMed below 0.00001; gnomAD 0.00001; gnomAD exomes 0.00003.

Submission:

Women's Health and Genetics/Laboratory Corporation of America, LabCorp
Classification: Uncertain significance. Last evaluated: 2024-02-14. Review status: criteria provided, single submitter. Criteria: LabCorp Variant Classification Summary - May 2015. Collection method: clinical testing. Allele origin: germline.
Comment: Variant summary: SHANK3 c.796A>G (p.Thr266Ala) results in a non-conservative amino acid change in the encoded protein sequence. Three of four in-silico tools predict a benign effect of the variant on protein function. The variant allele was found at a frequency of 4.3e-06 in 231872 control chromosomes. The available data on variant occurrences in the general population are insufficient to allow any conclusion about variant significance. To our knowledge, no occurrence of c.796A>G in individuals affected with Phelan-McDermid Syndrome and no experimental evidence demonstrating its impact on protein function have been reported. No submitters have cited clinical-significance assessments for this variant to ClinVar. Based on the evidence outlined above, the variant was classified as uncertain significance.

NM_001372044.2(SHANK3):c.796A>G (p.Thr266Ala)

Gene: SHANK3 (SH3 and multiple ankyrin repeat domains 3; plus strand). Cytogenetic location: 22q13.33.
Variant type: single nucleotide variant.
Coding change: c.796A>G on transcript NM_001372044.2 (MANE Select); coding-DNA position 796, A replaced by G.
Protein change: p.Thr266Ala; replaces threonine 266 with alanine.
Molecular consequence: missense variant.
Genome position (GRCh38, 1-based): chr22:50,678,891, A>G. VCF-style: chr22-50678891-A-G. GRCh37 (hg19) VCF-style: chr22-51117319-A-G.
Other names: c.571A>G, p.Thr191Ala (NM_033517.1); short protein forms T191A, T266A.
Identifiers: ClinVar variation 3068961 (VCV003068961.2), dbSNP rs1018785902, ClinGen allele CA325560230.
Genomic context (GRCh38, chr22:50,678,891, plus strand): 5'-AATGGTGGTGCCCACCTGGACTTCCGCACTCGCGATGGGCTCACTGCCGTGCACTGTGCC[A>G]CACGCCAGCGGAATGCGGCAGCACTGACGGTCAGTGAGGGCGGGGCCTGGCCTGGAGGGG-3'
Protein context (NP_001358973.1, residues 256-276): RDGLTAVHCA[Thr266Ala]RQRNAAALTT